The following is an entry in ClinVar:

NM_015512.5(DNAH1):c.9352C>T (p.Arg3118Ter)

Gene: DNAH1 (dynein axonemal heavy chain 1; plus strand). Cytogenetic location: 3p21.1.
Variant type: single nucleotide variant.
Coding change: c.9352C>T on transcript NM_015512.5 (MANE Select); coding-DNA position 9352, C replaced by T.
Protein change: p.Arg3118Ter; replaces arginine 3118 with a stop codon.
Molecular consequence: nonsense.
Genome position (GRCh38, 1-based): chr3:52,388,598, C>T. VCF-style: chr3-52388598-C-T. GRCh37 (hg19) VCF-style: chr3-52422614-C-T.
Other names: short protein forms R3118*.
Identifiers: ClinVar variation 1033365 (VCV001033365.2), dbSNP rs371940272, ClinGen allele CA74778314.

ClinVar aggregate classification (germline): Pathogenic. Review status: criteria provided, multiple submitters, no conflicts (2 of 4 stars). 2 submissions from 2 submitters: Pathogenic (2). Last evaluated 2025-09-23.

Conditions:
Spermatogenic failure 18. Identifiers: MedGen C4539783, MONDO:0054615, OMIM 617576.
Ciliary dyskinesia, primary, 37 (CILD37). Also called: CILIARY DYSKINESIA, PRIMARY, 37, WITH OR WITHOUT SITUS INVERSUS. Identifiers: MedGen C4539798, MONDO:0033204, OMIM 617577.

Allele frequency attached by ClinVar (database versions not stated): gnomAD 0.00001; gnomAD exomes below 0.00001; TOPMed 0.00002; ESP Exome Variant Server 0.00008.
gnomAD v4.1: 6 of 1,611,790 alleles (0.00037%); highest among the groups gnomAD compares: African/African-American, 0.0013%; no homozygotes.

Submissions (2):

Labcorp Genetics (formerly Invitae), Labcorp
Classification: Pathogenic for Ciliary dyskinesia, primary, 37; Spermatogenic failure 18. Last evaluated: 2025-09-23. Review status: criteria provided, single submitter. Criteria: Invitae Variant Classification Sherloc (09022015). Collection method: clinical testing. Allele origin: germline.
Comment: This sequence change creates a premature translational stop signal (p.Arg3118*) in the DNAH1 gene. It is expected to result in an absent or disrupted protein product. Loss-of-function variants in DNAH1 are known to be pathogenic (PMID: 27573432, 27798045). This variant is not present in population databases (gnomAD no frequency). This variant has not been reported in the literature in individuals affected with DNAH1-related conditions. ClinVar contains an entry for this variant (Variation ID: 1033365). For these reasons, this variant has been classified as Pathogenic.

Baylor Genetics
Classification: Pathogenic for Ciliary dyskinesia, primary, 37. Last evaluated: 2018-05-02. Review status: criteria provided, single submitter. Criteria: ACMG Guidelines, 2015. Collection method: clinical testing. Allele origin: maternal. Affected: yes.
Comment: This variant was determined to be pathogenic according to ACMG Guidelines, 2015 [PMID:25741868].

Literature cited by the submitters: PubMed 27573432 (cited by Labcorp Genetics (formerly Invitae), Labcorp); PubMed 27798045 (cited by Labcorp Genetics (formerly Invitae), Labcorp).